The following is an entry in ClinVar:

NM_207391.3(RGS9BP):c.54G>A (p.Ala18=)

Gene: RGS9BP (regulator of G protein signaling 9 binding protein; plus strand). Cytogenetic location: 19q13.11.
Variant type: single nucleotide variant.
Coding change: c.54G>A on transcript NM_207391.3 (MANE Select); coding-DNA position 54, G replaced by A.
Protein change: p.Ala18=; no amino-acid change (alanine 18 retained).
Molecular consequence: synonymous variant.
Genome position (GRCh38, 1-based): chr19:32,676,317, G>A. VCF-style: chr19-32676317-G-A. GRCh37 (hg19) VCF-style: chr19-33167223-G-A.
Identifiers: ClinVar variation 4873053 (VCV004873053.2).

ClinVar aggregate classification (germline): Likely benign (1 of 4 stars; one submission).

Submission:

CeGaT Center for Human Genetics Tuebingen
Classification: Likely benign. Last evaluated: 2026-06-01. Review status: criteria provided, single submitter. Criteria: CeGaT Center For Human Genetics Tuebingen Variant Classification Criteria Version 2. Collection method: clinical testing. Allele origin: germline. Affected: yes. Observed: 1 variant allele.
Comment: RGS9BP: BP4, BP7